The following is an entry in ClinVar:

NM_007294.4(BRCA1):c.4186-2A>G

Gene: BRCA1 (BRCA1 DNA repair associated; minus strand). Cytogenetic location: 17q21.31.
Variant type: single nucleotide variant.
Coding change: c.4186-2A>G on transcript NM_007294.4 (MANE Select); the canonical splice acceptor site of the intron before coding-DNA position 4186, A replaced by G.
Molecular consequence: splice acceptor variant. On other transcripts: intron variant (84).
Genome position (GRCh38, 1-based): chr17:43,082,577, T>C on the plus strand (A>G on the coding strand, the complement: BRCA1 is on the minus strand). VCF-style: chr17-43082577-T-C. GRCh37 (hg19) VCF-style: chr17-41234594-T-C.
Other names: c.4063-5A>G (NM_001407675.1, NM_001407683.1, NM_001407674.1 and 3 more transcripts); c.4063-2A>G (NM_001407680.1, NM_001407664.1, NM_001407648.1 and 13 more transcripts); c.760-2A>G (NM_001408419.1, NM_001408422.1, NM_001408418.1 and 2 more transcripts); c.877-5A>G (NM_001408403.1, NM_001407983.1, NM_001407979.1 and 6 more transcripts); c.877-2A>G (NM_001407975.1, NM_001407971.1, NM_001407977.1 and 8 more transcripts); c.871-5A>G (NM_001408406.1); c.4186-5A>G (NM_001407641.1, NM_001407624.1, NM_001407642.1 and 4 more transcripts); c.4186-2A>G (NM_001407858.1, NM_001407616.1, NM_007300.4 and 23 more transcripts); and 64 more.
Identifiers: ClinVar variation 240799 (VCV000240799.16), dbSNP rs878854950, ClinGen allele CA10583563.

ClinVar aggregate classification (germline): Conflicting classifications of pathogenicity. Review status: criteria provided, conflicting classifications (1 of 4 stars). 4 submissions from 4 submitters: Likely pathogenic (1); Uncertain significance (3). Last evaluated 2024-10-15.

Conditions:
Hereditary breast ovarian cancer syndrome. Also called: Hereditary breast and ovarian cancer syndrome (HBOC); Breast and ovarian cancer; Hereditary breast and ovarian cancer syndrome; Hereditary breast and ovarian cancer; BRCA1- and BRCA2-Associated Hereditary Breast and Ovarian Cancer; Hereditary breast and/or ovarian cancer syndrome. Identifiers: Orphanet 145, MedGen C0677776, MeSH D061325, MONDO:0003582. Disease mechanism: loss of function.
Hereditary cancer-predisposing syndrome. Also called: Hereditary Cancer Syndrome; Neoplastic Syndromes, Hereditary; Hereditary neoplastic syndrome; Tumor predisposition. Identifiers: Orphanet 140162, MedGen C0027672, MeSH D009386, MONDO:0015356.
Breast-ovarian cancer, familial, susceptibility to, 1 (BROVCA1). Also called: BRCA1 Hereditary Breast and Ovarian Cancer; OVARIAN CANCER, SUSCEPTIBILITY TO. Identifiers: Orphanet 145, MedGen C2676676, MONDO:0011450, OMIM 604370. Disease mechanism: loss of function.

Submissions (4):

Color Diagnostics, LLC DBA Color Health
Classification: Likely pathogenic for Hereditary cancer-predisposing syndrome. Last evaluated: 2024-10-15. Review status: criteria provided, single submitter. Criteria: ACMG Guidelines, 2015. Collection method: clinical testing. Allele origin: germline.
Comment: This variant causes an A to G nucleotide substitution at the -2 position of intron 11 of the BRCA1 gene. Splice site prediction tools suggest that this variant would disrupt the intron 11 splice acceptor site and also create a cryptic out-of-frame acceptor site in intron 11 (PMID: 30661751, 35449021). While an alternative in-frame splicing previously reported in exon 12 is expected to suppress the loss of the intron 11 splice acceptor site (PMID: 24569164), it is unclear whether the out-of-frame cryptic acceptor site would be rescue. To our knowledge, this variant has not been reported in individuals affected with BRCA1-related disorders in the literature. This variant has not been identified in the general population by the Genome Aggregation Database (gnomAD). Based on the available evidence, this variant is classified as Likely Pathogenic.

Labcorp Genetics (formerly Invitae), Labcorp
Classification: Uncertain significance for Hereditary breast ovarian cancer syndrome. Last evaluated: 2024-03-16. Review status: criteria provided, single submitter. Criteria: Invitae Variant Classification Sherloc (09022015). Collection method: clinical testing. Allele origin: germline.
Comment: This sequence change affects an acceptor splice site in intron 11 of the BRCA1 gene. RNA analysis indicates that disruption of this splice site induces altered splicing and likely results in the loss of 1 amino acid residue(s), but is expected to preserve the integrity of the reading-frame. This variant is not present in population databases (gnomAD no frequency). This variant has not been reported in the literature in individuals affected with BRCA1-related conditions. ClinVar contains an entry for this variant (Variation ID: 240799). Studies have shown that disruption of this splice site results in the activation of a cryptic splice site in exon 12 (PMID: 24569164). In summary, the available evidence is currently insufficient to determine the role of this variant in disease. Therefore, it has been classified as a Variant of Uncertain Significance.

St. Jude Molecular Pathology, St. Jude Children's Research Hospital
Classification: Uncertain significance for Breast-ovarian cancer, familial, susceptibility to, 1. Last evaluated: 2022-09-09. Review status: criteria provided, single submitter. Criteria: St. Jude Assertion Criteria 2020. Collection method: clinical testing. Allele origin: germline.
Comment: The BRCA1 c.4186-2A>G intronic change results from a A to G substitution at the -2 position of intron 11 of the BRCA1 gene. Algorithms that predict the impact of sequence changes on splicing indicate that this change may affect splicing, but these predictions are not well supported by RNA studies (internal data). Of note, loss-of-function variants in select exons of BRCA1 have been shown to retain some of their tumor suppressor function (PMID: 27008870, 32046981). This variant is absent in gnomAD v2.1.1 and in the FLOSSIES database which contains genetic variants from women older than 70 years of age who have never had cancer. In summary, the evidence currently available is insufficient to determine the clinical significance of this variant. It has therefore been classified as of uncertain significance.

Ambry Genetics
Classification: Uncertain significance for Hereditary cancer-predisposing syndrome. Last evaluated: 2022-02-08. Review status: criteria provided, single submitter. Criteria: Ambry Variant Classification Scheme 2023. Collection method: clinical testing. Allele origin: germline.
Comment: The c.4186-2A>G intronic variant results from an A to G substitution two nucleotides upstream from coding exon 11 in the BRCA1 gene. This nucleotide position is highly conserved in available vertebrate species. In silico splice site analysis predicts that this alteration will weaken the native splice acceptor site and will result in the creation or strengthening of a novel splice acceptor site, however a known cryptic splice acceptor site 3 nucleotides downstream of the native acceptor site is predicted to be maintained. RNA studies indicate the presence of a transcript using this alternate acceptor site, predicted to result in the in-frame loss of a single amino acid (p.Gln1396del), though this transcript is naturally occurring and is also present in controls (Ambry internal data and Colombo M et al. Hum Mol Genet, 2014 Jul;23:3666-80), therefore the clinical impact is uncertain. Since supporting evidence is limited at this time, the clinical significance of this alteration remains unclear.

Literature cited by the submitters: PubMed 24569164 (cited by 3 submitters); PubMed 30661751 (cited by Color Diagnostics, LLC DBA Color Health); PubMed 35449021 (cited by Color Diagnostics, LLC DBA Color Health).